The following is an entry in ClinVar:

NM_080680.3(COL11A2):c.607G>A (p.Gly203Ser)

Gene: COL11A2 (collagen type XI alpha 2 chain; minus strand). Cytogenetic location: 6p21.32.
Variant type: single nucleotide variant.
Coding change: c.607G>A on transcript NM_080680.3 (MANE Select); coding-DNA position 607, G replaced by A.
Protein change: p.Gly203Ser; replaces glycine 203 with serine.
Molecular consequence: missense variant.
Genome position (GRCh38, 1-based): chr6:33,186,818, C>T on the plus strand (G>A on the coding strand, the complement: COL11A2 is on the minus strand). VCF-style: chr6-33186818-C-T. GRCh37 (hg19) VCF-style: chr6-33154595-C-T.
Other names: c.607G>A, p.Gly203Ser (NM_001163771.2, NM_080679.3, NM_080681.3); short protein forms G203S.
Identifiers: ClinVar variation 1307436 (VCV001307436.2), dbSNP rs2150613541, ClinGen allele CA363610721.
Genomic context (GRCh38, chr6:33,186,818, plus strand): 5'-GTTCACATGATTCATAGGCTGCCTGGACCCCTGGGACAATGGCCAGCTCCTGGACATCAC[C>T]CTGCAAAGACATGAGAGAGATGGAGCGGAGAGATTCAGAGAGAGGCAGAGGGTATCATCC-3'
Protein context (NP_542411.2, residues 193-213): ARILDEEVFE[Gly203Ser]DVQELAIVPG

ClinVar aggregate classification (germline): Uncertain significance (1 of 4 stars; one submission).

Submission:

GeneDx
Classification: Uncertain significance. Last evaluated: 2019-07-25. Review status: criteria provided, single submitter. Criteria: GeneDx Variant Classification Process June 2021. Collection method: clinical testing. Allele origin: germline. Affected: yes.
Comment: Has not been previously published as pathogenic or benign to our knowledge; Not observed in large population cohorts (Lek et al., 2016); In silico analysis, which includes protein predictors and evolutionary conservation, supports a deleterious effect